The following is an entry in ClinVar:

ClinVar aggregate classification (germline): Uncertain significance (1 of 4 stars; one submission).

Allele frequency attached by ClinVar (database versions not stated): TOPMed below 0.00001; gnomAD exomes below 0.00001.
gnomAD v4.1: 1 of 1,613,374 alleles (0.000062%); highest among the groups gnomAD compares: Non-Finnish European, 0.000085%; no homozygotes.

Submission:

CeGaT Center for Human Genetics Tuebingen
Classification: Uncertain significance. Last evaluated: 2023-04-01. Review status: criteria provided, single submitter. Criteria: CeGaT Center For Human Genetics Tuebingen Variant Classification Criteria Version 2. Collection method: clinical testing. Allele origin: germline. Affected: yes. Observed: 1 variant allele.
Comment: TTN: PM2, BP4

NM_001267550.2(TTN):c.16256T>C (p.Val5419Ala)

Gene: TTN (titin; minus strand). Cytogenetic location: 2q31.2.
Variant type: single nucleotide variant.
Coding change: c.16256T>C on transcript NM_001267550.2 (MANE Select); coding-DNA position 16256, T replaced by C.
Protein change: p.Val5419Ala; replaces valine 5419 with alanine.
Molecular consequence: missense variant. On other transcripts: intron variant (3).
Genome position (GRCh38, 1-based): chr2:178,732,920, A>G on the plus strand (T>C on the coding strand, the complement: TTN is on the minus strand). VCF-style: chr2-178732920-A-G. GRCh37 (hg19) VCF-style: chr2-179597647-A-G.
Other names: c.15305T>C, p.Val5102Ala (NM_001256850.1); c.12524T>C, p.Val4175Ala (NM_133378.4); c.13282+5162T>C (NM_003319.4); c.13858+5162T>C (NM_133437.4); c.13657+5162T>C (NM_133432.3); short protein forms V4175A, V5102A, V5419A.
Identifiers: ClinVar variation 2651693 (VCV002651693.24), dbSNP rs1352050140, ClinGen allele CA349586385.